The following is an entry in ClinVar:

NM_000531.6(OTC):c.217-5TA[4]

Gene: OTC (ornithine transcarbamylase; plus strand). Cytogenetic location: Xp11.4.
Variant type: Microsatellite.
Coding change: c.217-5TA[4] on transcript NM_000531.6 (MANE Select); four copies in a row of the 2-base unit TA starting at c.217-5; the reference has two copies in a row; two copies, 4 bases duplicated.
Molecular consequence: splice acceptor variant.
Genome position (GRCh38, 1-based): chrX:38,369,791-38,369,794, TATA duplicated. VCF-style (leftmost placement, unchanged base first): chrX-38369790-T-TTATA. GRCh37 (hg19) VCF-style: chrX-38229043-T-TTATA.
Other names: c.217-5_217-2dup (NM_000531.6).
Identifiers: ClinVar variation 1105631 (VCV001105631.9), dbSNP rs759829103, ClinGen allele CA10385813.

ClinVar aggregate classification (germline): Benign. Review status: reviewed by expert panel (3 of 4 stars). 3 submissions from 3 submitters: Benign (1). 2 of the submissions do not count toward it. Last evaluated 2026-05-19.

Conditions:
Ornithine carbamoyltransferase deficiency (OTCD). Also called: OTC DEFICIENCY; Ornithine Carbamoyltransferase Deficiency Disease; ORNITHINE TRANSCARBAMYLASE DEFICIENCY; ORNITHINE TRANSCARBAMYLASE DEFICIENCY, HYPERAMMONEMIA DUE TO. Identifiers: Orphanet 664, MedGen C0268542, MONDO:0010703, OMIM 311250.

Submissions (3):

Clingen Urea Cycle Disorders Variant Curation Expert Panel, ClinGen
Classification: Benign for Ornithine carbamoyltransferase deficiency. Last evaluated: 2026-05-19. Review status: reviewed by expert panel. Criteria: ClinGen UreaCycles ACMG Specifications OTC V1.0. Collection method: curation. Allele origin: germline. Inheritance: X-linked inheritance.
Comment: The NM_000531.6:c.217-5TA[4] (c.217-5_217-2dupTATA) variant in OTC is an intronic variant in intron 2. To our knowledge, this variant has not been reported in the literature and results of functional studies are unavailable. The Grpmax Filtering allele frequency in gnomAD v4.1.0 is 0.00009187 (4/43540 alleles), with 14 hemizygotes/homozygotes across all populations which is higher than the ClinGen UCD VCEP threshold (>10 hemizygotes/homozygotes) for BA1, and therefore meets this criterion (BA1). The computational splicing predictor SpliceAI gives a score of 0.23 for acceptor loss, which is neither above or below the thresholds predicting a damaging (≥0.5) or benign (<0.01) impact on OTC splicing. In summary, this variant meets the criteria to be classified as benign for OTC deficiency based on the ACMG/AMP criteria applied, as specified by the ClinGen Urea Cycle Disorders Variant Curation Expert Panel (OTC specifications version 1.0.0): BA1.

Labcorp Genetics (formerly Invitae), Labcorp
Classification: Likely benign for Ornithine carbamoyltransferase deficiency. Last evaluated: 2025-04-22. Review status: criteria provided, single submitter. Criteria: Invitae Variant Classification Sherloc (09022015). Collection method: clinical testing. Allele origin: germline. Not counted in ClinVar's aggregate classification.

Color Diagnostics, LLC DBA Color Health
Classification: Likely benign for Ornithine carbamoyltransferase deficiency. Last evaluated: 2022-04-28. Review status: criteria provided, single submitter. Criteria: ACMG Guidelines, 2015. Collection method: clinical testing. Allele origin: germline. Not counted in ClinVar's aggregate classification.